The following is an entry in ClinVar:

ClinVar aggregate classification (germline): Uncertain significance (1 of 4 stars; one submission).

Conditions:
Vein of Galen aneurysmal malformation (VGAM). Also called: Aneurysm of the vein of Galen; Vein of Galen aneurysm; Ectasia or varix of the vein of Galen; Galenic arteriovenous malformation; Vein of Galen aneurysm malformation; Galen vein aneurysm. Identifiers: Orphanet 1053, MedGen C0431420, MONDO:0015196, HP:0030713.

Submission:

Clinical Genomics Laboratory, Washington University in St. Louis
Classification: Uncertain significance for Vein of Galen malformation. Last evaluated: 2025-07-22. Review status: criteria provided, single submitter. Criteria: ACMG Guidelines, 2015. Collection method: clinical testing. Allele origin: germline.
Comment: A CLDN14 c.292G>T(p.Ala98Ser) variant was identified at a heterozygous allelic fraction of 50.5%, a frequency which may be consistent with it being of germline origin. This variant, to our knowledge, has not been reported in the medical literature and is absent from the general population (gnomAD v4.1.0), indicating it is not a common variant. Computational predictors are uncertain as to the impact of this variant on CLDN14 function. Due to limited information, and based on ACMG/AMP guidelines for variant interpretation (Richards S et al., PMID: 25741868), the clinical significance of this variant is uncertain at this time.

NM_001146079.2(CLDN14):c.292G>T (p.Ala98Ser)

Genes: CLDN14 (claudin 14; minus strand), CLDN14-AS1 (CLDN14 antisense RNA 1; plus strand). Cytogenetic location: 21q22.13.
Variant type: single nucleotide variant.
Coding change: c.292G>T on transcript NM_001146079.2 (MANE Select); coding-DNA position 292, G replaced by T.
Protein change: p.Ala98Ser; replaces alanine 98 with serine.
Molecular consequence: missense variant.
Genome position (GRCh38, 1-based): chr21:36,461,404, C>A on the plus strand (G>T on the coding strand, the complement: CLDN14 is on the minus strand). VCF-style: chr21-36461404-C-A. GRCh37 (hg19) VCF-style: chr21-37833702-C-A.
Other names: c.292G>T, p.Ala98Ser (NM_001146077.2, NM_001146078.3, NM_012130.4 and 1 more transcripts); short protein forms A98S.
Identifiers: ClinVar variation 4279853 (VCV004279853.1).